The following is an entry in ClinVar:

NM_004448.4(ERBB2):c.2398C>T (p.Leu800Phe)

Gene: ERBB2 (erb-b2 receptor tyrosine kinase 2; plus strand). Cytogenetic location: 17q12.
Variant type: single nucleotide variant.
Coding change: c.2398C>T on transcript NM_004448.4 (MANE Select); coding-DNA position 2398, C replaced by T.
Protein change: p.Leu800Phe; replaces leucine 800 with phenylalanine.
Molecular consequence: missense variant. On other transcripts: non-coding transcript variant (1), intron variant (2).
Genome position (GRCh38, 1-based): chr17:39,724,816, C>T. VCF-style: chr17-39724816-C-T. GRCh37 (hg19) VCF-style: chr17-37881069-C-T.
Other names: c.2308C>T, p.Leu770Phe (NM_001005862.3, NM_001382782.1, NM_001382783.1); c.2353C>T, p.Leu785Phe (NM_001289936.2); c.2398C>T, p.Leu800Phe (NM_001289937.2, NM_001382796.1, NM_001382798.1); c.2515C>T, p.Leu839Phe (NM_001382784.1); c.2500C>T, p.Leu834Phe (NM_001382785.1); c.2479C>T, p.Leu827Phe (NM_001382786.1); c.2473C>T, p.Leu825Phe (NM_001382787.1); c.2428C>T, p.Leu810Phe (NM_001382788.1); and 13 more; short protein forms L767F, L807F, L810F, L524F, L770F, L786F, L797F, L784F.
Identifiers: ClinVar variation 2898976 (VCV002898976.3), dbSNP rs2544469556, ClinGen allele CA399303275.
Genomic context (GRCh38, chr17:39,724,816, plus strand): 5'-CCATATGTCTCCCGCCTTCTGGGCATCTGCCTGACATCCACGGTGCAGCTGGTGACACAG[C>T]TTATGCCCTATGGCTGCCTCTTAGACCATGTCCGGGAAAACCGCGGACGCCTGGGCTCCC-3'
Protein context (NP_004439.2, residues 790-810): LTSTVQLVTQ[Leu800Phe]MPYGCLLDHV

ClinVar aggregate classification (germline): Uncertain significance (1 of 4 stars; one submission).

Submission:

Labcorp Genetics (formerly Invitae), Labcorp
Classification: Uncertain significance. Last evaluated: 2023-03-14. Review status: criteria provided, single submitter. Criteria: Invitae Variant Classification Sherloc (09022015). Collection method: clinical testing. Allele origin: germline.
Comment: In summary, the available evidence is currently insufficient to determine the role of this variant in disease. Therefore, it has been classified as a Variant of Uncertain Significance. Advanced modeling of protein sequence and biophysical properties (such as structural, functional, and spatial information, amino acid conservation, physicochemical variation, residue mobility, and thermodynamic stability) performed at Invitae indicates that this missense variant is not expected to disrupt ERBB2 protein function. This variant has not been reported in the literature in individuals affected with ERBB2-related conditions. This variant is not present in population databases (gnomAD no frequency). This sequence change replaces leucine, which is neutral and non-polar, with phenylalanine, which is neutral and non-polar, at codon 800 of the ERBB2 protein (p.Leu800Phe).